The following is an entry in ClinVar:

NM_000179.3(MSH6):c.2724A>C (p.Glu908Asp)

Gene: MSH6 (mutS homolog 6; plus strand). Cytogenetic location: 2p16.3.
Variant type: single nucleotide variant.
Coding change: c.2724A>C on transcript NM_000179.3 (MANE Select); coding-DNA position 2724, A replaced by C.
Protein change: p.Glu908Asp; replaces glutamic acid 908 with aspartic acid.
Molecular consequence: missense variant. On other transcripts: non-coding transcript variant (5), intron variant (2).
Genome position (GRCh38, 1-based): chr2:47,800,707, A>C. VCF-style: chr2-47800707-A-C. GRCh37 (hg19) VCF-style: chr2-48027846-A-C.
Other names: c.2334A>C, p.Glu778Asp (NM_001281492.2); c.1818A>C, p.Glu606Asp (NM_001281493.2, NM_001281494.2, NM_001406811.1 and 6 more transcripts); c.2820A>C, p.Glu940Asp (NM_001406795.1, NM_001406802.1); c.2724A>C, p.Glu908Asp (NM_001406796.1, NM_001406798.1, NM_001406800.1 and 2 more transcripts); c.2427A>C, p.Glu809Asp (NM_001406797.1, NM_001406801.1, NM_001406805.1 and 10 more transcripts); c.2199A>C, p.Glu733Asp (NM_001406799.1, NM_001406806.1, NM_001406807.1); c.2646A>C, p.Glu882Asp (NM_001406804.1); c.2730A>C, p.Glu910Asp (NM_001406813.1); and 4 more; short protein forms E223D, E606D, E733D, E778D, E809D, E852D, E882D, E908D.
Identifiers: ClinVar variation 3230538 (VCV003230538.1), dbSNP rs35389622, ClinGen allele CA346755363.

ClinVar aggregate classification (germline): Uncertain significance (1 of 4 stars; one submission).

Conditions:
Hereditary cancer-predisposing syndrome. Also called: Neoplastic Syndromes, Hereditary; Tumor predisposition; Hereditary neoplastic syndrome; Hereditary Cancer Syndrome. Identifiers: Orphanet 140162, MedGen C0027672, MeSH D009386, MONDO:0015356.

Submission:

Ambry Genetics
Classification: Uncertain significance for Hereditary cancer-predisposing syndrome. Last evaluated: 2024-01-17. Review status: criteria provided, single submitter. Criteria: Ambry Variant Classification Scheme 2023. Collection method: clinical testing. Allele origin: germline.
Comment: The p.E908D variant (also known as c.2724A>C), located in coding exon 4 of the MSH6 gene, results from an A to C substitution at nucleotide position 2724. The glutamic acid at codon 908 is replaced by aspartic acid, an amino acid with highly similar properties. This amino acid position is conserved. In addition, this alteration is predicted to be deleterious by in silico analysis. Based on the available evidence, the clinical significance of this alteration remains unclear.